The following is an entry in ClinVar:

NM_002691.4(POLD1):c.335C>G (p.Pro112Arg)

Gene: POLD1 (DNA polymerase delta 1, catalytic subunit; plus strand). Cytogenetic location: 19q13.33.
Variant type: single nucleotide variant.
Coding change: c.335C>G on transcript NM_002691.4 (MANE Select); coding-DNA position 335, C replaced by G.
Protein change: p.Pro112Arg; replaces proline 112 with arginine.
Molecular consequence: missense variant. On other transcripts: non-coding transcript variant (1).
Genome position (GRCh38, 1-based): chr19:50,401,796, C>G. VCF-style: chr19-50401796-C-G. GRCh37 (hg19) VCF-style: chr19-50905053-C-G.
Other names: c.335C>G, p.Pro112Arg (NM_001256849.1, NM_001308632.1); short protein forms P112R.
Identifiers: ClinVar variation 1730586 (VCV001730586.3), dbSNP rs2038643198, ClinGen allele CA406972128.
Genomic context (GRCh38, chr19:50,401,796, plus strand): 5'-CCCTGAGAGGCATGGCCGCTGTCTTACCCTGTGACCCCACAGGCCCAGCGCAGCCTGTGC[C>G]TGGGGGGCCCCCACCATCCCGCGGCTCCGTGCCTGTGCTCCGCGCCTTCGGGGTCACCGA-3'
Protein context (NP_002682.2, residues 102-122): DHYVGPAQPV[Pro112Arg]GGPPPSRGSV

ClinVar aggregate classification (germline): Uncertain significance (1 of 4 stars; one submission).

Conditions:
Hereditary cancer-predisposing syndrome. Also called: Neoplastic Syndromes, Hereditary; Tumor predisposition; Hereditary Cancer Syndrome; Hereditary neoplastic syndrome. Identifiers: Orphanet 140162, MedGen C0027672, MeSH D009386, MONDO:0015356.

Submission:

Ambry Genetics
Classification: Uncertain significance for Hereditary cancer-predisposing syndrome. Last evaluated: 2024-03-17. Review status: criteria provided, single submitter. Criteria: Ambry Variant Classification Scheme 2023. Collection method: clinical testing. Allele origin: germline.
Comment: The p.P112R variant (also known as c.335C>G), located in coding exon 3 of the POLD1 gene, results from a C to G substitution at nucleotide position 335. The proline at codon 112 is replaced by arginine, an amino acid with dissimilar properties. This amino acid position is conserved. In addition, this alteration is predicted to be tolerated by in silico analysis. Since supporting evidence is limited at this time, the clinical significance of this alteration remains unclear.